The following is an entry in ClinVar:

NM_001127208.3(TET2):c.242A>G (p.Glu81Gly)

Genes: TET2 (tet methylcytosine dioxygenase 2; plus strand), TET2-AS1 (TET2 antisense RNA 1; minus strand). Cytogenetic location: 4q24.
Variant type: single nucleotide variant.
Coding change: c.242A>G on transcript NM_001127208.3 (MANE Select); coding-DNA position 242, A replaced by G.
Protein change: p.Glu81Gly; replaces glutamic acid 81 with glycine.
Molecular consequence: missense variant.
Genome position (GRCh38, 1-based): chr4:105,234,184, A>G. VCF-style: chr4-105234184-A-G. GRCh37 (hg19) VCF-style: chr4-106155341-A-G.
Other names: c.242A>G, p.Glu81Gly (NM_017628.4); short protein forms E81G.
Identifiers: ClinVar variation 4182960 (VCV004182960.1).

ClinVar aggregate classification (germline): Uncertain significance (1 of 4 stars; one submission).

gnomAD v4.1: 2 of 1,614,188 alleles (0.00012%); highest among the groups gnomAD compares: South Asian, 0.0022%; no homozygotes.

Submission:

Ambry Genetics
Classification: Uncertain significance. Last evaluated: 2025-07-12. Review status: criteria provided, single submitter. Criteria: Ambry Variant Classification Scheme 2023. Collection method: clinical testing. Allele origin: germline.
Comment: The p.E81G variant (also known as c.242A>G), located in coding exon 1 of the TET2 gene, results from an A to G substitution at nucleotide position 242. The glutamic acid at codon 81 is replaced by glycine, an amino acid with similar properties. This amino acid position is conserved. In addition, the in silico prediction for this alteration is inconclusive. Based on the available evidence, the clinical significance of this variant remains unclear.